The following is an entry in ClinVar:

ClinVar aggregate classification (germline): Uncertain significance (1 of 4 stars; one submission).

Conditions:
Cardiovascular phenotype. Identifiers: MedGen CN230736.

Submission:

Ambry Genetics
Classification: Uncertain significance for Cardiovascular phenotype. Last evaluated: 2023-05-07. Review status: criteria provided, single submitter. Criteria: Ambry Variant Classification Scheme 2023. Collection method: clinical testing. Allele origin: germline.
Comment: The p.H1898Q variant (also known as c.5694T>G), located in coding exon 15 of the TNXB gene, results from a T to G substitution at nucleotide position 5694. The histidine at codon 1898 is replaced by glutamine, an amino acid with highly similar properties. This amino acid position is conserved. In addition, this alteration is predicted to be tolerated by in silico analysis. Since supporting evidence is limited at this time, the clinical significance of this alteration remains unclear.

NM_001365276.2(TNXB):c.5694T>G (p.His1898Gln)

Gene: TNXB (tenascin XB; minus strand). Cytogenetic location: 6p21.33.
Variant type: single nucleotide variant.
Coding change: c.5694T>G on transcript NM_001365276.2 (MANE Select); coding-DNA position 5694, T replaced by G.
Protein change: p.His1898Gln; replaces histidine 1898 with glutamine.
Molecular consequence: missense variant.
Genome position (GRCh38, 1-based): chr6:32,069,030, A>C on the plus strand (T>G on the coding strand, the complement: TNXB is on the minus strand). VCF-style: chr6-32069030-A-C. GRCh37 (hg19) VCF-style: chr6-32036807-A-C.
Other names: c.5694T>G, p.His1898Gln (NM_019105.8); short protein forms H1898Q.
Identifiers: ClinVar variation 2562163 (VCV002562163.2), dbSNP rs965704223, ClinGen allele CA136887196.